The following is an entry in ClinVar:

NM_006514.4(SCN10A):c.74A>G (p.Glu25Gly)

Gene: SCN10A (sodium voltage-gated channel alpha subunit 10; minus strand). Cytogenetic location: 3p22.2.
Variant type: single nucleotide variant.
Coding change: c.74A>G on transcript NM_006514.4 (MANE Select); coding-DNA position 74, A replaced by G.
Protein change: p.Glu25Gly; replaces glutamic acid 25 with glycine.
Molecular consequence: missense variant.
Genome position (GRCh38, 1-based): chr3:38,793,937, T>C on the plus strand (A>G on the coding strand, the complement: SCN10A is on the minus strand). VCF-style: chr3-38793937-T-C. GRCh37 (hg19) VCF-style: chr3-38835428-T-C.
Other names: c.74A>G, p.Glu25Gly (NM_001293306.2, NM_001293307.2); short protein forms E25G.
Identifiers: ClinVar variation 2443459 (VCV002443459.1), dbSNP rs2470901862, ClinGen allele CA352163293.

ClinVar aggregate classification (germline): Uncertain significance (1 of 4 stars; one submission).

Submission:

GeneDx
Classification: Uncertain significance. Last evaluated: 2022-09-08. Review status: criteria provided, single submitter. Criteria: GeneDx Variant Classification Process June 2021. Collection method: clinical testing. Allele origin: germline. Affected: yes.
Comment: Not observed at significant frequency in large population cohorts (gnomAD); In silico analysis supports that this missense variant has a deleterious effect on protein structure/function; Has not been previously published as pathogenic or benign to our knowledge